The following is an entry in ClinVar:

ClinVar aggregate classification (germline): Uncertain significance (1 of 4 stars; one submission).

Submission:

GeneDx
Classification: Uncertain significance. Last evaluated: 2024-11-18. Review status: criteria provided, single submitter. Criteria: GeneDx Variant Classification Process June 2021. Collection method: clinical testing. Allele origin: germline.
Comment: Not observed at significant frequency in large population cohorts (gnomAD); In silico analysis supports that this missense variant has a deleterious effect on protein structure/function; Has not been previously published as pathogenic or benign to our knowledge

NM_015466.4(PTPN23):c.560A>C (p.Glu187Ala)

Gene: PTPN23 (protein tyrosine phosphatase non-receptor type 23; plus strand). Cytogenetic location: 3p21.31.
Variant type: single nucleotide variant.
Coding change: c.560A>C on transcript NM_015466.4 (MANE Select); coding-DNA position 560, A replaced by C.
Protein change: p.Glu187Ala; replaces glutamic acid 187 with alanine.
Molecular consequence: missense variant.
Genome position (GRCh38, 1-based): chr3:47,406,338, A>C. VCF-style: chr3-47406338-A-C. GRCh37 (hg19) VCF-style: chr3-47447828-A-C.
Other names: c.182A>C, p.Glu61Ala (NM_001304482.2); short protein forms E187A, E61A.
Identifiers: ClinVar variation 1800928 (VCV001800928.2), dbSNP rs2546239808, ClinGen allele CA352543729.